The following is an entry in ClinVar:

ClinVar aggregate classification (germline): Likely benign (1 of 4 stars; one submission).

gnomAD v4.1: 112 of 1,607,424 alleles (0.007%); highest among the groups gnomAD compares: Non-Finnish European, 0.0014%; no homozygotes.

Submission:

Mayo Clinic Laboratories, Mayo Clinic
Classification: Likely benign. Last evaluated: 2025-07-10. Review status: criteria provided, single submitter. Criteria: ACMG Guidelines, 2015. Collection method: clinical testing. Allele origin: germline. Observed: 1 variant allele.
Comment: BS2

NM_015268.4(DNAJC13):c.2728C>A (p.Arg910=)

Gene: DNAJC13 (DnaJ heat shock protein family (Hsp40) member C13; plus strand). Cytogenetic location: 3q22.1.
Variant type: single nucleotide variant.
Coding change: c.2728C>A on transcript NM_015268.4 (MANE Select); coding-DNA position 2728, C replaced by A.
Protein change: p.Arg910=; no amino-acid change (arginine 910 retained).
Molecular consequence: synonymous variant.
Genome position (GRCh38, 1-based): chr3:132,479,245, C>A. VCF-style: chr3-132479245-C-A. GRCh37 (hg19) VCF-style: chr3-132198089-C-A.
Other names: p.Arg910=; c.2743C>A, p.Arg915= (NM_001329126.2).
Identifiers: ClinVar variation 4684719 (VCV004684719.1).
Genomic context (GRCh38, chr3:132,479,245, plus strand): 5'-ATTTCTATTCACTTCTGACCAGATTCTCATTTATTTCAATAGTGCACAGATAAACTTGAA[C>A]GAGATAGGTTGATTCTCTTCCTTAACAAGTTGATCCTTAATAAGGTACAGTAGTTTCGCA-3'
Protein context (NP_056083.3, residues 900-920): MLERCTDKLE[Arg910=]DRLILFLNKL